The following is an entry in ClinVar:

ClinVar aggregate classification (germline): Uncertain significance (1 of 4 stars; one submission).

gnomAD v4.1: 1 of 1,591,174 alleles (0.000063%); highest among the groups gnomAD compares: Non-Finnish European, 0.000086%; no homozygotes.

Submission:

Labcorp Genetics (formerly Invitae), Labcorp
Classification: Uncertain significance. Last evaluated: 2021-12-02. Review status: criteria provided, single submitter. Criteria: Invitae Variant Classification Sherloc (09022015). Collection method: clinical testing. Allele origin: germline.
Comment: This sequence change replaces glycine, which is neutral and non-polar, with arginine, which is basic and polar, at codon 1588 of the OTOGL protein (p.Gly1588Arg). This variant is not present in population databases (gnomAD no frequency). This variant has not been reported in the literature in individuals affected with OTOGL-related conditions. Algorithms developed to predict the effect of missense changes on protein structure and function are either unavailable or do not agree on the potential impact of this missense change (SIFT: "Deleterious"; PolyPhen-2: "Benign"; Align-GVGD: "Class C0"). In summary, the available evidence is currently insufficient to determine the role of this variant in disease. Therefore, it has been classified as a Variant of Uncertain Significance.

NM_001378609.3(OTOGL):c.4789G>A (p.Gly1597Arg)

Gene: OTOGL (otogelin like; plus strand). Cytogenetic location: 12q21.31.
Variant type: single nucleotide variant.
Coding change: c.4789G>A on transcript NM_001378609.3 (MANE Select); coding-DNA position 4789, G replaced by A.
Protein change: p.Gly1597Arg; replaces glycine 1597 with arginine.
Molecular consequence: missense variant.
Genome position (GRCh38, 1-based): chr12:80,336,933, G>A. VCF-style: chr12-80336933-G-A. GRCh37 (hg19) VCF-style: chr12-80730713-G-A.
Other names: c.4654G>A, p.Gly1552Arg (NM_001368062.3); c.4789G>A, p.Gly1597Arg (NM_001378610.3, NM_173591.7); short protein forms G1552R, G1597R.
Identifiers: ClinVar variation 1387077 (VCV001387077.6), dbSNP rs2137916459, ClinGen allele CA385881348.
Genomic context (GRCh38, chr12:80,336,933, plus strand): 5'-TGTTTAACTCCGTAAAGTTTTAATTTTTTTCAAATTAAGGCTCCCTCTGGAAGAATCTCT[G>A]GACTTTGTTTTAAGAAGTTAAATGTGACAACACCCATACATAAAATAATTGTCAATCGGT-3'
Protein context (NP_001365538.2, residues 1587-1607): KKLAPSGRIS[Gly1597Arg]LCFKKLNVTT